The following is an entry in ClinVar:

NM_001042492.3(NF1):c.7458-18A>G

Gene: NF1 (neurofibromin 1; plus strand). Cytogenetic location: 17q11.2.
Variant type: single nucleotide variant.
Coding change: c.7458-18A>G on transcript NM_001042492.3 (MANE Select); 18 bases into the intron before coding-DNA position 7458, A replaced by G.
Molecular consequence: intron variant.
Genome position (GRCh38, 1-based): chr17:31,352,239, A>G. VCF-style: chr17-31352239-A-G. GRCh37 (hg19) VCF-style: chr17-29679257-A-G.
Other names: c.7395-18A>G (NM_000267.4).
Identifiers: ClinVar variation 1580650 (VCV001580650.11), dbSNP rs371362605, ClinGen allele CA8487595.

ClinVar aggregate classification (germline): Likely benign. Review status: criteria provided, multiple submitters, no conflicts (2 of 4 stars). 4 submissions from 4 submitters: Likely benign (4). Last evaluated 2026-05-13.

Conditions:
Neurofibromatosis, type 1 (NF1). Also called: VON RECKLINGHAUSEN DISEASE; NEUROFIBROMATOSIS, TYPE I, SOMATIC; Neurofibromatosis, type I; Peripheral type neurofibromatosis. Identifiers: Orphanet 636, MedGen C0027831, MONDO:0018975, OMIM 162200. Disease mechanism: loss of function.

Allele frequency attached by ClinVar (database versions not stated): gnomAD exomes below 0.00001 and 0.00001; ExAC 0.00001; TOPMed 0.00001; ESP Exome Variant Server 0.00008.
gnomAD v4.1: 22 of 1,612,684 alleles (0.0014%); highest among the groups gnomAD compares: Middle Eastern, 0.017%; no homozygotes.

Submissions (4):

Myriad Genetics, Inc.
Classification: Likely benign for Neurofibromatosis, type 1. Last evaluated: 2026-05-13. Review status: criteria provided, single submitter. Criteria: Myriad Autosomal Dominant, Autosomal Recessive and X-Linked Classification Criteria (2023). Collection method: clinical testing. Allele origin: unknown.
Comment: This variant is considered likely benign. This variant is intronic and is not expected to impact mRNA splicing.

Labcorp Genetics (formerly Invitae), Labcorp
Classification: Likely benign for Neurofibromatosis, type 1. Last evaluated: 2025-11-05. Review status: criteria provided, single submitter. Criteria: Invitae Variant Classification Sherloc (09022015). Collection method: clinical testing. Allele origin: germline.

Women's Health and Genetics/Laboratory Corporation of America, LabCorp
Classification: Likely benign. Last evaluated: 2023-11-16. Review status: criteria provided, single submitter. Criteria: LabCorp Variant Classification Summary - May 2015. Collection method: clinical testing. Allele origin: germline.
Comment: Variant summary: NF1 c.7395-18A>G alters a non-conserved nucleotide located at a position not widely known to affect splicing. Consensus agreement among computation tools predict no significant impact on normal splicing. However, these predictions have yet to be confirmed by functional studies. The variant allele was found at a frequency of 4e-06 in 251362 control chromosomes. The available data on variant occurrences in the general population are insufficient to allow any conclusion about variant significance. To our knowledge, no occurrence of c.7395-18A>G in individuals affected with Neurofibromatosis Type 1 and no experimental evidence demonstrating its impact on protein function have been reported. One submitter has cited clinical-significance assessments for this variant to ClinVar after 2014 and has classified the variant as likely benign. Based on the evidence outlined above, the variant was classified as likely benign.

Blueprint Genetics
Classification: Likely benign. Last evaluated: 2022-04-11. Review status: criteria provided, single submitter. Criteria: ACMG Guidelines, 2015. Collection method: clinical testing. Allele origin: germline.